The following is an entry in ClinVar:

ClinVar aggregate classification (germline): Uncertain significance (1 of 4 stars; one submission).

Conditions:
Vici syndrome (VICIS). Identifiers: Orphanet 1493, MedGen C1855772, MONDO:0009452, OMIM 242840.

Allele frequency attached by ClinVar (database versions not stated): TOPMed below 0.00001.
gnomAD v4.1: 2 of 1,613,992 alleles (0.00012%); highest among the groups gnomAD compares: Non-Finnish European, 0.000085%; no homozygotes.

Submission:

Labcorp Genetics (formerly Invitae), Labcorp
Classification: Uncertain significance for Vici syndrome. Last evaluated: 2025-01-15. Review status: criteria provided, single submitter. Criteria: Invitae Variant Classification Sherloc (09022015). Collection method: clinical testing. Allele origin: germline.
Comment: This sequence change replaces cysteine, which is neutral and slightly polar, with serine, which is neutral and polar, at codon 1334 of the EPG5 protein (p.Cys1334Ser). This variant is not present in population databases (gnomAD no frequency). This variant has not been reported in the literature in individuals affected with EPG5-related conditions. ClinVar contains an entry for this variant (Variation ID: 855849). Invitae Evidence Modeling of protein sequence and biophysical properties (such as structural, functional, and spatial information, amino acid conservation, physicochemical variation, residue mobility, and thermodynamic stability) indicates that this missense variant is not expected to disrupt EPG5 protein function with a negative predictive value of 80%. In summary, the available evidence is currently insufficient to determine the role of this variant in disease. Therefore, it has been classified as a Variant of Uncertain Significance.

NM_020964.3(EPG5):c.4001G>C (p.Cys1334Ser)

Gene: EPG5 (ectopic P-granules 5 autophagy tethering factor; minus strand). Cytogenetic location: 18q21.1.
Variant type: single nucleotide variant.
Coding change: c.4001G>C on transcript NM_020964.3 (MANE Select); coding-DNA position 4001, G replaced by C.
Protein change: p.Cys1334Ser; replaces cysteine 1334 with serine.
Molecular consequence: missense variant.
Genome position (GRCh38, 1-based): chr18:45,910,725, C>G on the plus strand (G>C on the coding strand, the complement: EPG5 is on the minus strand). VCF-style: chr18-45910725-C-G. GRCh37 (hg19) VCF-style: chr18-43490690-C-G.
Other names: short protein forms C1334S.
Identifiers: ClinVar variation 855849 (VCV000855849.10), dbSNP rs938393640, ClinGen allele CA299760495.